The following is an entry in ClinVar:

ClinVar aggregate classification (germline): Uncertain significance (1 of 4 stars; one submission).

Conditions:
NIK deficiency. Also called: Primary immunodeficiency with multifaceted aberrant lymphoid immunity. Identifiers: Orphanet 447731, MedGen C5680065, MONDO:0018642.

gnomAD v4.1: 14 of 1,613,920 alleles (0.00087%); highest among the groups gnomAD compares: Admixed American, 0.0033%; no homozygotes.

Submission:

Labcorp Genetics (formerly Invitae), Labcorp
Classification: Uncertain significance for NIK deficiency. Last evaluated: 2024-12-04. Review status: criteria provided, single submitter. Criteria: Invitae Variant Classification Sherloc (09022015). Collection method: clinical testing. Allele origin: germline.
Comment: This sequence change replaces arginine, which is basic and polar, with histidine, which is basic and polar, at codon 138 of the MAP3K14 protein (p.Arg138His). This variant is present in population databases (rs367791443, gnomAD 0.007%). This variant has not been reported in the literature in individuals affected with MAP3K14-related conditions. Experimental studies and prediction algorithms are not available or were not evaluated, and the functional significance of this variant is currently unknown. In summary, the available evidence is currently insufficient to determine the role of this variant in disease. Therefore, it has been classified as a Variant of Uncertain Significance.

NM_003954.5(MAP3K14):c.413G>A (p.Arg138His)

Gene: MAP3K14 (mitogen-activated protein kinase kinase kinase 14; minus strand). Cytogenetic location: 17q21.31.
Variant type: single nucleotide variant.
Coding change: c.413G>A on transcript NM_003954.5 (MANE Select); coding-DNA position 413, G replaced by A.
Protein change: p.Arg138His; replaces arginine 138 with histidine.
Molecular consequence: missense variant.
Genome position (GRCh38, 1-based): chr17:45,287,278, C>T on the plus strand (G>A on the coding strand, the complement: MAP3K14 is on the minus strand). VCF-style: chr17-45287278-C-T. GRCh37 (hg19) VCF-style: chr17-43364644-C-T.
Other names: short protein forms R138H.
Identifiers: ClinVar variation 3715114 (VCV003715114.2).